The following is an entry in ClinVar:

ClinVar aggregate classification (germline): Uncertain significance (1 of 4 stars; one submission).

Submission:

Ambry Genetics
Classification: Uncertain significance. Last evaluated: 2023-09-27. Review status: criteria provided, single submitter. Criteria: Ambry Variant Classification Scheme 2023. Collection method: clinical testing. Allele origin: germline.
Comment: The p.A283S variant (also known as c.847G>T), located in coding exon 1 of the PALLD gene, results from a G to T substitution at nucleotide position 847. The alanine at codon 283 is replaced by serine, an amino acid with similar properties. This amino acid position is conserved. In addition, this alteration is predicted to be tolerated by in silico analysis. Since supporting evidence is limited at this time, the clinical significance of this alteration remains unclear.

NM_001166108.2(PALLD):c.847G>T (p.Ala283Ser)

Gene: PALLD (palladin, cytoskeletal associated protein; plus strand). Cytogenetic location: 4q32.3.
Variant type: single nucleotide variant.
Coding change: c.847G>T on transcript NM_001166108.2 (MANE Select); coding-DNA position 847, G replaced by T.
Protein change: p.Ala283Ser; replaces alanine 283 with serine.
Molecular consequence: missense variant.
Genome position (GRCh38, 1-based): chr4:168,512,351, G>T. VCF-style: chr4-168512351-G-T. GRCh37 (hg19) VCF-style: chr4-169433502-G-T.
Other names: c.847G>T, p.Ala283Ser (NM_016081.4); short protein forms A283S.
Identifiers: ClinVar variation 3226842 (VCV003226842.1), dbSNP rs2531437380, ClinGen allele CA358728507.
Genomic context (GRCh38, chr4:168,512,351, plus strand): 5'-AGCGCCCTCCACTTCCCAGCTGCACCTCGATTCATCCAAAAGCTGAGGAGCCAAGAAGTA[G>T]CAGAAGGGAGCCGAGTTTATCTGGAGTGTAGAGTCACTGGAAACCCCACTCCTCGAGTCA-3'
Protein context (NP_001159580.1, residues 273-293): FIQKLRSQEV[Ala283Ser]EGSRVYLECR